The following is an entry in ClinVar:

NM_001267550.2(TTN):c.41602del (p.Lys13867_Val13868insTer)

Gene: TTN (titin; minus strand). Cytogenetic location: 2q31.2.
Variant type: Deletion.
Coding change: c.41602del on transcript NM_001267550.2 (MANE Select); coding-DNA position 41602, one base deleted (G; older notation c.41602delG).
Protein change: p.Lys13867_Val13868insTer.
Molecular consequence: nonsense.
Genome position (GRCh38, 1-based): chr2:178,635,969, C deleted on the plus strand (G on the coding strand, the reverse complement: TTN is on the minus strand). VCF-style (leftmost placement, unchanged base first): chr2-178635968-AC-A. GRCh37 (hg19) VCF-style: chr2-179500695-AC-A.
Other names: p.Val12227*; c.36679del, p.Lys12226_Val12227insTer (NM_001256850.1); c.14407del, p.Lys4802_Val4803insTer (NM_003319.4); c.33898del, p.Lys11299_Val11300insTer (NM_133378.4); c.14782del, p.Lys4927_Val4928insTer (NM_133432.3); c.14983del, p.Lys4994_Val4995insTer (NM_133437.4).
Identifiers: ClinVar variation 4540739 (VCV004540739.1).

ClinVar aggregate classification (germline): Likely pathogenic (1 of 4 stars; one submission).

Submission:

Mayo Clinic Laboratories, Mayo Clinic
Classification: Likely pathogenic. Last evaluated: 2025-10-10. Review status: criteria provided, single submitter. Criteria: ACMG Guidelines, 2015. Collection method: clinical testing. Allele origin: germline. Observed: 1 variant allele.
Comment: PM2_supporting, PVS1